The following is an entry in ClinVar:

NM_020754.4(ARHGAP31):c.2335C>T (p.Pro779Ser)

Gene: ARHGAP31 (Rho GTPase activating protein 31; plus strand). Cytogenetic location: 3q13.33.
Variant type: single nucleotide variant.
Coding change: c.2335C>T on transcript NM_020754.4 (MANE Select); coding-DNA position 2335, C replaced by T.
Protein change: p.Pro779Ser; replaces proline 779 with serine.
Molecular consequence: missense variant.
Genome position (GRCh38, 1-based): chr3:119,414,264, C>T. VCF-style: chr3-119414264-C-T. GRCh37 (hg19) VCF-style: chr3-119133111-C-T.
Other names: short protein forms P779S.
Identifiers: ClinVar variation 1500701 (VCV001500701.5), dbSNP rs769051277, ClinGen allele CA2554010.

ClinVar aggregate classification (germline): Uncertain significance (1 of 4 stars; one submission).

Allele frequency attached by ClinVar (database versions not stated): gnomAD exomes below 0.00001; gnomAD 0.00001; ExAC 0.00002; TOPMed 0.00002.
gnomAD v4.1: 5 of 1,614,088 alleles (0.00031%); highest among the groups gnomAD compares: African/African-American, 0.004%; no homozygotes.

Submission:

Labcorp Genetics (formerly Invitae), Labcorp
Classification: Uncertain significance. Last evaluated: 2022-08-23. Review status: criteria provided, single submitter. Criteria: Invitae Variant Classification Sherloc (09022015). Collection method: clinical testing. Allele origin: germline.
Comment: This sequence change replaces proline, which is neutral and non-polar, with serine, which is neutral and polar, at codon 779 of the ARHGAP31 protein (p.Pro779Ser). This variant is present in population databases (rs769051277, gnomAD 0.007%). This variant has not been reported in the literature in individuals affected with ARHGAP31-related conditions. ClinVar contains an entry for this variant (Variation ID: 1500701). Algorithms developed to predict the effect of missense changes on protein structure and function (SIFT, PolyPhen-2, Align-GVGD) all suggest that this variant is likely to be tolerated. In summary, the available evidence is currently insufficient to determine the role of this variant in disease. Therefore, it has been classified as a Variant of Uncertain Significance.